The following is an entry in ClinVar:

ClinVar aggregate classification (germline): Benign. Review status: criteria provided, single submitter (1 of 4 stars). 3 submissions from 3 submitters: Benign (1). 2 of the submissions do not count toward it.

Conditions:
POLQ-related disorder. Also called: POLQ-related condition.

Allele frequency attached by ClinVar (database versions not stated): 1000 Genomes Project 30x 0.01671; 1000 Genomes Project 0.01777; ESP Exome Variant Server 0.01799; TOPMed 0.01806; gnomAD 0.01943 and 0.01988.
gnomAD v4.1: 39,757 of 1,613,704 alleles (2.5%); highest among the groups gnomAD compares: Middle Eastern, 5.4%; 576 homozygotes.

Submissions (3):

Breakthrough Genomics
Classification: Benign. Review status: criteria provided, single submitter. Criteria: ACMG Guidelines, 2015. Collection method: not provided. Allele origin: germline. Inheritance: Unknown mechanism. Affected: yes.

PreventionGenetics, part of Exact Sciences
Classification: Benign for POLQ-related condition. Last evaluated: 2019-02-21. Review status: no assertion criteria provided. Collection method: clinical testing. Allele origin: germline. Not counted in ClinVar's aggregate classification.
Comment: This variant is classified as benign based on ACMG/AMP sequence variant interpretation guidelines (Richards et al. 2015 PMID: 25741868, with internal and published modifications).

Department of Pathology and Laboratory Medicine, Sinai Health System
Classification: Benign. Review status: no assertion criteria provided. Collection method: clinical testing. Allele origin: unknown. Affected: yes. Study: The Canadian Open Genetics Repository (COGR). Not counted in ClinVar's aggregate classification.
Comment: The POLQ p.Pro1381Thr variant was not identified in the literature nor was it identified in ClinVar, Cosmic, MutDB or LOVD 3.0. The variant was identified in dbSNP (ID: rs3218642) with clinical significance as NA. The variant was identified in control databases in 6498 of 281810 chromosomes (118 homozygous) at a frequency of 0.023058 increasing the likelihood this could be a low frequency benign variant (Genome Aggregation Database Feb 27, 2017). The variant was observed in the following populations: South Asian in 1356 of 30446 chromosomes (freq: 0.04454), Other in 306 of 7182 chromosomes (freq: 0.02868), European (Finnish) in 701 of 25066 chromosomes (freq: 0.02797), European (Non-Finnish) in 3352 of 128606 chromosomes (freq: 0.02606), Ashkenazi Jewish in 264 of 10334 chromosomes (freq: 0.02555), Latino in 510 of 35290 chromosomes (freq: 0.01445), African in 103 of 24960 chromosomes (freq: 0.004127), and East Asian in 6 of 19926 chromosomes (freq: 0.000301). The variant occurs outside of the splicing consensus sequence and in silico or computational prediction software programs (SpliceSiteFinder, MaxEntScan, NNSPLICE, GeneSplicer) do not predict a difference in splicing. The p.Pro1381 residue is not conserved in mammals and four out of five computational analyses (SIFT, AlignGVGD, MutationTaster, PolyPhen-2) do not suggest a high likelihood of impact to the protein; however, this information is not predictive enough to rule out pathogenicity. In summary, based on the above information this variant meets our laboratory's criteria to be classified as benign.

NM_199420.4(POLQ):c.4141C>A (p.Pro1381Thr)

Gene: POLQ (DNA polymerase theta; minus strand). Cytogenetic location: 3q13.33.
Variant type: single nucleotide variant.
Coding change: c.4141C>A on transcript NM_199420.4 (MANE Select); coding-DNA position 4141, C replaced by A.
Protein change: p.Pro1381Thr; replaces proline 1381 with threonine.
Molecular consequence: missense variant.
Genome position (GRCh38, 1-based): chr3:121,488,790, G>T on the plus strand (C>A on the coding strand, the complement: POLQ is on the minus strand). VCF-style: chr3-121488790-G-T. GRCh37 (hg19) VCF-style: chr3-121207637-G-T.
Other names: c.4141C>A (NM_199420.3); short protein forms P1381T.
Identifiers: ClinVar variation 1049519 (VCV001049519.4), dbSNP rs3218642, ClinGen allele CA2562952.